The following is an entry in ClinVar:

NM_015192.4(PLCB1):c.1514-1G>A

Gene: PLCB1 (phospholipase C beta 1; plus strand). Cytogenetic location: 20p12.3.
Variant type: single nucleotide variant.
Coding change: c.1514-1G>A on transcript NM_015192.4 (MANE Select); the canonical splice acceptor site of the intron before coding-DNA position 1514, G replaced by A.
Molecular consequence: splice acceptor variant.
Genome position (GRCh38, 1-based): chr20:8,722,353, G>A. VCF-style: chr20-8722353-G-A. GRCh37 (hg19) VCF-style: chr20-8703000-G-A.
Other names: c.1514-1G>A (NM_182734.3).
Identifiers: ClinVar variation 2828262 (VCV002828262.3), dbSNP rs2515277441, ClinGen allele CA408202858.

ClinVar aggregate classification (germline): Likely pathogenic (1 of 4 stars; one submission).

Conditions:
Developmental and epileptic encephalopathy, 12 (DEE12). Identifiers: MedGen C3150988, MONDO:0013389, OMIM 613722.

Submission:

Labcorp Genetics (formerly Invitae), Labcorp
Classification: Likely pathogenic for Developmental and epileptic encephalopathy, 12. Last evaluated: 2023-01-13. Review status: criteria provided, single submitter. Criteria: Invitae Variant Classification Sherloc (09022015). Collection method: clinical testing. Allele origin: germline.
Comment: This sequence change affects an acceptor splice site in intron 14 of the PLCB1 gene. It is expected to disrupt RNA splicing. Variants that disrupt the donor or acceptor splice site typically lead to a loss of protein function (PMID: 16199547), and loss-of-function variants in PLCB1 are known to be pathogenic (PMID: 24684524). In summary, the currently available evidence indicates that the variant is pathogenic, but additional data are needed to prove that conclusively. Therefore, this variant has been classified as Likely Pathogenic. Algorithms developed to predict the effect of sequence changes on RNA splicing suggest that this variant may disrupt the consensus splice site. This variant has not been reported in the literature in individuals affected with PLCB1-related conditions. This variant is not present in population databases (gnomAD no frequency).

Literature cited by the submitters: PubMed 16199547; PubMed 24684524.